The following is an entry in ClinVar:

NM_001205293.3(CACNA1E):c.165del (p.Ile56fs)

Gene: CACNA1E (calcium voltage-gated channel subunit alpha1 E; plus strand). Cytogenetic location: 1q25.3.
Variant type: Deletion.
Coding change: c.165del on transcript NM_001205293.3 (MANE Select); coding-DNA position 165, one base deleted (C; older notation c.165delC).
Protein change: p.Ile56fs; shifts the reading frame from isoleucine 56.
Molecular consequence: frameshift variant.
Genome position (GRCh38, 1-based): chr1:181,483,909, C deleted; the last of 4 consecutive C bases (chr1:181,483,906-181,483,909); deleting any one gives the same sequence. VCF-style (leftmost placement, unchanged base first): chr1-181483905-AC-A. GRCh37 (hg19) VCF-style: chr1-181453041-AC-A.
Other names: c.165del, p.Ile56fs (NM_000721.4, NM_001205294.2); short protein forms I56fs.
Identifiers: ClinVar variation 4076704 (VCV004076704.1).
Genomic context (GRCh38, chr1:181,483,905, plus strand): 5'-GGCAGGCGGCCGCCTACAAGCAGACGAAAGCACAGAGGGCGCGGACTATGGCTTTGTACA[AC>A]CCCATTCCCGTCCGGCAGAACTGTTTCACCGTCAACAGATCCCTGTTCATCTTCGGAGAA-3'

ClinVar aggregate classification (germline): Uncertain significance (1 of 4 stars; one submission).

Submission:

GeneDx
Classification: Uncertain significance. Last evaluated: 2025-02-24. Review status: criteria provided, single submitter. Criteria: GeneDx Variant Classification Process June 2021. Collection method: clinical testing. Allele origin: germline. Affected: yes.
Comment: Not observed at significant frequency in large population cohorts (gnomAD); Frameshift variant predicted to result in protein truncation or nonsense mediated decay in a gene or region of a gene for which loss of function is not a well-established mechanism of disease; Has not been previously published as pathogenic or benign to our knowledge